The following is an entry in ClinVar:

ClinVar aggregate classification (germline): Uncertain significance (1 of 4 stars; one submission).

Conditions:
Lysinuric protein intolerance (LPI). Identifiers: Orphanet 470, MedGen C0268647, MONDO:0009109, OMIM 222700.

Submission:

Labcorp Genetics (formerly Invitae), Labcorp
Classification: Uncertain significance for Lysinuric protein intolerance. Last evaluated: 2019-08-18. Review status: criteria provided, single submitter. Criteria: Invitae Variant Classification Sherloc (09022015). Collection method: clinical testing. Allele origin: germline.
Comment: This sequence change falls in intron 8 of the SLC7A7 gene. It does not directly change the encoded amino acid sequence of the SLC7A7 protein, but it affects a nucleotide within the consensus splice site of the intron. This variant is not present in population databases (ExAC no frequency). This variant has not been reported in the literature in individuals with SLC7A7-related conditions. Nucleotide substitutions within the consensus splice site are a relatively common cause of aberrant splicing (PMID: 17576681, 9536098). Algorithms developed to predict the effect of sequence changes on RNA splicing suggest that this variant may disrupt the consensus splice site, but this prediction has not been confirmed by published transcriptional studies. In summary, the available evidence is currently insufficient to determine the role of this variant in disease. Therefore, it has been classified as a Variant of Uncertain Significance.

Literature cited by the submitters: PubMed 17576681; PubMed 9536098.

NM_003982.4(SLC7A7):c.1095+5G>C

Gene: SLC7A7 (solute carrier family 7 member 7; minus strand). Cytogenetic location: 14q11.2.
Variant type: single nucleotide variant.
Coding change: c.1095+5G>C on transcript NM_003982.4 (MANE Select); 5 bases into the intron after coding-DNA position 1095, G replaced by C.
Molecular consequence: intron variant.
Genome position (GRCh38, 1-based): chr14:22,775,439, C>G on the plus strand (G>C on the coding strand, the complement: SLC7A7 is on the minus strand). VCF-style: chr14-22775439-C-G. GRCh37 (hg19) VCF-style: chr14-23244648-C-G.
Other names: c.1095+5G>C (NM_001126106.4, NM_001126105.3).
Identifiers: ClinVar variation 957909 (VCV000957909.4), dbSNP rs2038581784, ClinGen allele CA1139663406.
Genomic context (GRCh38, chr14:22,775,439, plus strand): 5'-GCTTCTGCTGTTACTAAAGTTTCCCCCGCAATCTGGCTTTCAGTCTCATCCTTGAGTTCA[C>G]TTACATTGAAGAGCAGAGAAGGCACTGGTGTGAACCGCTCAACATGGATCATGCAGATGG-3'